The following is an entry in ClinVar:

NM_018139.3(DNAAF2):c.1405T>A (p.Cys469Ser)

Gene: DNAAF2 (dynein axonemal assembly factor 2; minus strand). Cytogenetic location: 14q21.3.
Variant type: single nucleotide variant.
Coding change: c.1405T>A on transcript NM_018139.3 (MANE Select); coding-DNA position 1405, T replaced by A.
Protein change: p.Cys469Ser; replaces cysteine 469 with serine.
Molecular consequence: missense variant. On other transcripts: 5 prime UTR variant (1).
Genome position (GRCh38, 1-based): chr14:49,633,745, A>T on the plus strand (T>A on the coding strand, the complement: DNAAF2 is on the minus strand). VCF-style: chr14-49633745-A-T. GRCh37 (hg19) VCF-style: chr14-50100463-A-T.
Other names: c.1405T>A, p.Cys469Ser (NM_001083908.2); c.-467T>A (NM_001378453.1); short protein forms C469S.
Identifiers: ClinVar variation 241280 (VCV000241280.45), dbSNP rs202079418, ClinGen allele CA7172923.
Genomic context (GRCh38, chr14:49,633,745, plus strand): 5'-CTCCGCGCGCACTCTCTCTTCCCGCAGAAGAACCCCACGCCAGGCTCCGGGAGGACAAAC[A>T]AGGGGAGCCTCCGCCACCAGGTGAGTTTTCTCCTCCAGGAGATGGCTCCTCCACGCTGCC-3'
Protein context (NP_060609.2, residues 459-479): ENSPGGGGSP[Cys469Ser]LSSRSLAWGS

ClinVar aggregate classification (germline): Conflicting classifications of pathogenicity. Review status: criteria provided, conflicting classifications (1 of 4 stars). 7 submissions from 7 submitters: Uncertain significance (1); Benign (1); Likely benign (4). 1 of the submissions does not count toward it. Last evaluated 2026-02-01.

Conditions:
DNAAF2-related disorder. Also called: DNAAF2-related condition.
Primary ciliary dyskinesia. Also called: Ciliary dyskinesia. Identifiers: Orphanet 244, MedGen C0008780, MONDO:0016575, HP:0012265.
Primary ciliary dyskinesia 10. Also called: CILIARY DYSKINESIA, PRIMARY, 10, WITH OR WITHOUT SITUS INVERSUS. Identifiers: Orphanet 244, MedGen C2675867, MONDO:0012918, OMIM 612518.

Allele frequency attached by ClinVar (database versions not stated): 1000 Genomes Project 30x 0.00062; 1000 Genomes Project 0.00080; ESP Exome Variant Server 0.00086; TOPMed 0.00139; gnomAD exomes 0.00178; ExAC 0.00195; gnomAD 0.00212 and 0.00223.

Submissions (7):

Labcorp Genetics (formerly Invitae), Labcorp
Classification: Likely benign for Primary ciliary dyskinesia. Last evaluated: 2026-02-01. Review status: criteria provided, single submitter. Criteria: Invitae Variant Classification Sherloc (09022015). Collection method: clinical testing. Allele origin: germline.

Blueprint Genetics
Classification: Likely benign. Last evaluated: 2024-11-25. Review status: criteria provided, single submitter. Criteria: ACMG Guidelines, 2015. Collection method: clinical testing. Allele origin: germline.

ARUP Laboratories, Molecular Genetics and Genomics, ARUP Laboratories
Classification: Likely benign for Primary ciliary dyskinesia 10. Last evaluated: 2024-03-18. Review status: criteria provided, single submitter. Criteria: ARUP Molecular Germline Variant Investigation Process 2024. Collection method: clinical testing. Allele origin: germline.

CeGaT Center for Human Genetics Tuebingen
Classification: Likely benign. Last evaluated: 2022-11-01. Review status: criteria provided, single submitter. Criteria: CeGaT Center For Human Genetics Tuebingen Variant Classification Criteria Version 2. Collection method: clinical testing. Allele origin: germline. Affected: yes. Observed: 1 variant allele.
Comment: DNAAF2: BP4, BS2

Ambry Genetics
Classification: Benign for Primary ciliary dyskinesia. Last evaluated: 2018-01-16. Review status: criteria provided, single submitter. Criteria: Ambry Variant Classification Scheme 2023. Collection method: clinical testing. Allele origin: germline.

Illumina Laboratory Services, Illumina
Classification: Uncertain significance for Primary ciliary dyskinesia 10. Last evaluated: 2018-01-13. Review status: criteria provided, single submitter. Criteria: ICSL Variant Classification Criteria 13 December 2019. Collection method: clinical testing. Allele origin: germline.

PreventionGenetics, part of Exact Sciences
Classification: Likely benign for DNAAF2-related condition. Last evaluated: 2019-12-13. Review status: no assertion criteria provided. Collection method: clinical testing. Allele origin: germline. Not counted in ClinVar's aggregate classification.
Comment: This variant is classified as likely benign based on ACMG/AMP sequence variant interpretation guidelines (Richards et al. 2015 PMID: 25741868, with internal and published modifications).